The following is an entry in ClinVar:

ClinVar aggregate classification (germline): Uncertain significance. Review status: criteria provided, multiple submitters, no conflicts (2 of 4 stars). 4 submissions from 4 submitters: Uncertain significance (3). 1 of the submissions does not count toward it. Last evaluated 2025-04-21.

Conditions:
SCLT1-related disorder. Also called: SCLT1-related condition.

Allele frequency attached by ClinVar (database versions not stated): ExAC 0.00002; gnomAD exomes 0.00002 and 0.00007; ESP Exome Variant Server 0.00015; gnomAD 0.00018 and 0.00019; TOPMed 0.00019.

Submissions (4):

Labcorp Genetics (formerly Invitae), Labcorp
Classification: Uncertain significance. Last evaluated: 2025-04-21. Review status: criteria provided, single submitter. Criteria: Invitae Variant Classification Sherloc (09022015). Collection method: clinical testing. Allele origin: germline.
Comment: This sequence change replaces alanine, which is neutral and non-polar, with threonine, which is neutral and polar, at codon 140 of the SCLT1 protein (p.Ala140Thr). This variant is present in population databases (rs373839589, gnomAD 0.05%). This variant has not been reported in the literature in individuals affected with SCLT1-related conditions. ClinVar contains an entry for this variant (Variation ID: 1414690). An algorithm developed to predict the effect of missense changes on protein structure and function (PolyPhen-2) suggests that this variant is likely to be disruptive. In summary, the available evidence is currently insufficient to determine the role of this variant in disease. Therefore, it has been classified as a Variant of Uncertain Significance.

Blueprint Genetics
Classification: Uncertain significance. Last evaluated: 2021-08-17. Review status: criteria provided, single submitter. Criteria: ACMG Guidelines, 2015. Collection method: clinical testing. Allele origin: germline.

Ambry Genetics
Classification: Uncertain significance. Last evaluated: 2021-08-02. Review status: criteria provided, single submitter. Criteria: Ambry Variant Classification Scheme 2023. Collection method: clinical testing. Allele origin: germline.

PreventionGenetics, part of Exact Sciences
Classification: Uncertain significance for SCLT1-related condition. Last evaluated: 2024-08-29. Review status: no assertion criteria provided. Collection method: clinical testing. Allele origin: germline. Not counted in ClinVar's aggregate classification.
Comment: The SCLT1 c.418G>A variant is predicted to result in the amino acid substitution p.Ala140Thr. To our knowledge, this variant has not been reported in the literature. This variant is reported in 0.046% of alleles in individuals of Latino descent in gnomAD. At this time, the clinical significance of this variant is uncertain due to the absence of conclusive functional and genetic evidence.

NM_144643.4(SCLT1):c.418G>A (p.Ala140Thr)

Gene: SCLT1 (sodium channel and clathrin linker 1; minus strand). Cytogenetic location: 4q28.2.
Variant type: single nucleotide variant.
Coding change: c.418G>A on transcript NM_144643.4 (MANE Select); coding-DNA position 418, G replaced by A.
Protein change: p.Ala140Thr; replaces alanine 140 with threonine.
Molecular consequence: missense variant.
Genome position (GRCh38, 1-based): chr4:129,003,749, C>T on the plus strand (G>A on the coding strand, the complement: SCLT1 is on the minus strand). VCF-style: chr4-129003749-C-T. GRCh37 (hg19) VCF-style: chr4-129924904-C-T.
Other names: c.418G>A (NM_144643.2, NM_144643.3); short protein forms A140T.
Identifiers: ClinVar variation 1414690 (VCV001414690.8), dbSNP rs373839589, ClinGen allele CA3079964.